The following is an entry in ClinVar:

NM_006361.6(HOXB13):c.407C>T (p.Thr136Ile)

Gene: HOXB13 (homeobox B13; minus strand). Cytogenetic location: 17q21.32.
Variant type: single nucleotide variant.
Coding change: c.407C>T on transcript NM_006361.6 (MANE Select); coding-DNA position 407, C replaced by T.
Protein change: p.Thr136Ile; replaces threonine 136 with isoleucine.
Molecular consequence: missense variant.
Genome position (GRCh38, 1-based): chr17:48,728,187, G>A on the plus strand (C>T on the coding strand, the complement: HOXB13 is on the minus strand). VCF-style: chr17-48728187-G-A. GRCh37 (hg19) VCF-style: chr17-46805549-G-A.
Other names: short protein forms T136I.
Identifiers: ClinVar variation 2448868 (VCV002448868.6), dbSNP rs2509515090, ClinGen allele CA400107520.

ClinVar aggregate classification (germline): Uncertain significance. Review status: criteria provided, multiple submitters, no conflicts (2 of 4 stars). 2 submissions from 2 submitters: Uncertain significance (2). Last evaluated 2024-12-22.

Conditions:
Hereditary cancer-predisposing syndrome. Also called: Neoplastic Syndromes, Hereditary; Hereditary Cancer Syndrome; Tumor predisposition; Hereditary neoplastic syndrome. Identifiers: Orphanet 140162, MedGen C0027672, MeSH D009386, MONDO:0015356.

Submissions (2):

Ambry Genetics
Classification: Uncertain significance for Hereditary cancer-predisposing syndrome. Last evaluated: 2024-12-22. Review status: criteria provided, single submitter. Criteria: Ambry Variant Classification Scheme 2023. Collection method: clinical testing. Allele origin: germline.
Comment: The p.T136I variant (also known as c.407C>T), located in coding exon 1 of the HOXB13 gene, results from a C to T substitution at nucleotide position 407. The threonine at codon 136 is replaced by isoleucine, an amino acid with similar properties. This amino acid position is conserved. In addition, this alteration is predicted to be tolerated by in silico analysis. Since supporting evidence is limited at this time, the clinical significance of this alteration remains unclear.

Labcorp Genetics (formerly Invitae), Labcorp
Classification: Uncertain significance. Last evaluated: 2022-11-23. Review status: criteria provided, single submitter. Criteria: Invitae Variant Classification Sherloc (09022015). Collection method: clinical testing. Allele origin: germline.
Comment: This sequence change replaces threonine, which is neutral and polar, with isoleucine, which is neutral and non-polar, at codon 136 of the HOXB13 protein (p.Thr136Ile). This variant is not present in population databases (gnomAD no frequency). This variant has not been reported in the literature in individuals affected with HOXB13-related conditions. Advanced modeling of protein sequence and biophysical properties (such as structural, functional, and spatial information, amino acid conservation, physicochemical variation, residue mobility, and thermodynamic stability) performed at Invitae indicates that this missense variant is not expected to disrupt HOXB13 protein function. In summary, the available evidence is currently insufficient to determine the role of this variant in disease. Therefore, it has been classified as a Variant of Uncertain Significance.